The following is an entry in ClinVar:

NM_007294.4(BRCA1):c.5518_5519del (p.Asp1840fs)

Gene: BRCA1 (BRCA1 DNA repair associated; minus strand). Cytogenetic location: 17q21.31.
Variant type: Deletion.
Coding change: c.5518_5519del on transcript NM_007294.4 (MANE Select); coding-DNA positions 5518 to 5519, 2 bases deleted (GA; older notation c.5518_5519delGA).
Protein change: p.Asp1840fs; shifts the reading frame from aspartic acid 1840.
Molecular consequence: frameshift variant. On other transcripts: 3 prime UTR variant (17).
Genome position (GRCh38, 1-based): chr17:43,045,751-43,045,752, TC deleted on the plus strand (GA on the coding strand, the reverse complement: BRCA1 is on the minus strand). VCF-style (leftmost placement, unchanged base first): chr17-43045750-GTC-G. GRCh37 (hg19) VCF-style: chr17-41197767-GTC-G.
Other names: c.5305_5306del, p.Asp1769fs (NM_001407907.1, NM_001407910.1, NM_001407908.1 and 12 more transcripts); c.5302_5303del, p.Asp1768fs (NM_001407916.1, NM_001407917.1, NM_001407915.1 and 1 more transcripts); c.5374_5375del, p.Asp1792fs (NM_001407742.1, NM_001407743.1, NM_001407744.1 and 18 more transcripts); c.5371_5372del, p.Asp1791fs (NM_001407838.1, NM_001407839.1, NM_001407841.1 and 12 more transcripts); c.*32_*33del (NM_001407854.1, NM_001407858.1, NM_001407859.1 and 14 more transcripts); c.5317_5318del, p.Asp1773fs (NM_001407862.1); c.5314_5315del, p.Asp1772fs (NM_001407863.1); c.5311_5312del, p.Asp1771fs (NM_001407874.1, NM_001407875.1); and 74 more; short protein forms D1543fs, D1544fs, D1671fs, D1686fs, D1711fs, D1712fs, D1713fs, D1727fs.
Identifiers: ClinVar variation 3893764 (VCV003893764.1).

ClinVar aggregate classification (germline): Pathogenic (1 of 4 stars; one submission).

Conditions:
Hereditary cancer-predisposing syndrome. Also called: Neoplastic Syndromes, Hereditary; Tumor predisposition; Hereditary Cancer Syndrome; Hereditary neoplastic syndrome. Identifiers: Orphanet 140162, MedGen C0027672, MeSH D009386, MONDO:0015356.

Submission:

Color Diagnostics, LLC DBA Color Health
Classification: Pathogenic for Hereditary cancer-predisposing syndrome. Last evaluated: 2024-04-29. Review status: criteria provided, single submitter. Criteria: ACMG Guidelines, 2015. Collection method: clinical testing. Allele origin: germline.
Comment: This variant deletes 2 nucleotides in exon 23 of the BRCA1 gene, creating a frameshift and premature translation stop signal. While this variant is not expected to trigger nonsense-mediated decay, it alters the C-terminal protein sequence starting at codon 1840 and extends the variant protein by 14 amino acids compared to the wild-type reference protein. The predicted protein sequence change in the C-terminus is expected to impact the functionally important BRCT domain (PMID: 11573086, 20516115, 30765603). The altered C-terminal sequence encompasses amino acids where missense variants have been reported as disease-causing in ClinVar with functional and clinical data support for pathogenicity (ClinVar variation ID: 37681, 433738, 55614, 55627, 865014, 865016, 869004, 869006). Nonsense variants truncating the BRCT domain, p.Tyr1853*, also have been shown to disrupt BRCA1 function in a haploid cell proliferation assay (PMID: 30209399). Therefore, this variant is expected to result in an absent or non-functional protein product. To our knowledge, this variant has not been reported in individuals affected with BRCA1-related disorders in the literature. Other frameshift variants that cause similar disruption to the BRCT domain and extension of the variant protein have been reported as disease-causing in ClinVar (variation ID: 266564, 418073, 825825, 855160). This variant has not been identified in the general population by the Genome Aggregation Database (gnomAD). Loss of BRCA1 function is a known mechanism of disease. Based on the available evidence, this variant is classified as Pathogenic.

Literature cited by the submitters: PubMed 11573086; PubMed 20516115; PubMed 30209399; PubMed 30765603.